The following is an entry in ClinVar:

ClinVar aggregate classification (germline): Uncertain significance (1 of 4 stars; one submission).

Conditions:
Inborn genetic diseases. Identifiers: MedGen C0950123, MeSH D030342.

Allele frequency attached by ClinVar (database versions not stated): TOPMed below 0.00001.

Submission:

Ambry Genetics
Classification: Uncertain significance for Inborn genetic diseases. Last evaluated: 2020-07-07. Review status: criteria provided, single submitter. Criteria: Ambry Variant Classification Scheme 2023. Collection method: clinical testing. Allele origin: germline.
Comment: The p.N130T variant (also known as c.389A>C), located in coding exon 3 of the SETX gene, results from an A to C substitution at nucleotide position 389. The asparagine at codon 130 is replaced by threonine, an amino acid with similar properties. This change occurs in the first base pair of coding exon 3. This amino acid position is not well conserved in available vertebrate species. In addition, this alteration is predicted to be tolerated by in silico analysis. Since supporting evidence is limited at this time, the clinical significance of this alteration remains unclear.

NM_015046.7(SETX):c.389A>C (p.Asn130Thr)

Gene: SETX (senataxin; minus strand). Cytogenetic location: 9q34.13.
Variant type: single nucleotide variant.
Coding change: c.389A>C on transcript NM_015046.7 (MANE Select); coding-DNA position 389, A replaced by C.
Protein change: p.Asn130Thr; replaces asparagine 130 with threonine.
Molecular consequence: missense variant.
Genome position (GRCh38, 1-based): chr9:132,342,799, T>G on the plus strand (A>C on the coding strand, the complement: SETX is on the minus strand). VCF-style: chr9-132342799-T-G. GRCh37 (hg19) VCF-style: chr9-135218186-T-G.
Other names: c.389A>C, p.Asn130Thr (NM_001351527.2, NM_001351528.2); short protein forms N130T.
Identifiers: ClinVar variation 1735969 (VCV001735969.2), dbSNP rs1848058133, ClinGen allele CA375350503.
Genomic context (GRCh38, chr9:132,342,799, plus strand): 5'-AACACCTGAAAGGAGCAATTGGCTTGTTCCATCCGACAAAGTGCTTCAACACATAACTCG[T>G]CTAAAAAGAAAAAAATAAGTAAAATACATAAATCTTATCACCTTATCAAGATTCCCTAAA-3'
Protein context (NP_055861.3, residues 120-140): YPYLLLHERV[Asn130Thr]ELCVEALCRM